The following is an entry in ClinVar:

ClinVar aggregate classification (germline): Likely pathogenic (1 of 4 stars; one submission).

Conditions:
Familial focal epilepsy with variable foci (FPEVF). Identifiers: Orphanet 98820, MedGen C1858477, MONDO:0020310.

Submission:

Labcorp Genetics (formerly Invitae), Labcorp
Classification: Likely pathogenic for Familial focal epilepsy with variable foci. Last evaluated: 2017-06-21. Review status: criteria provided, single submitter. Criteria: Invitae Variant Classification Sherloc (09022015). Collection method: clinical testing. Allele origin: germline.
Comment: This sequence change affects an acceptor splice site in intron 19 of the DEPDC5 gene. It is expected to disrupt RNA splicing and likely results in an absent or disrupted protein product. This variant is not present in population databases (ExAC no frequency). This variant has not been reported in the literature in individuals with DEPDC5-related disease. Donor and acceptor splice site variants typically lead to a loss of protein function (PMID: 16199547), and loss-of-function variants in DEPDC5 are known to be pathogenic (PMID: 23542697, 23542701). In summary, the currently available evidence indicates that the variant is pathogenic, but additional data are needed to prove that conclusively. Therefore, this variant has been classified as Likely Pathogenic.

Literature cited by the submitters: PubMed 16199547; PubMed 23542697; PubMed 23542701.

NM_001242896.3(DEPDC5):c.1325-1G>C

Gene: DEPDC5 (DEP domain containing 5, GATOR1 subcomplex subunit; plus strand). Cytogenetic location: 22q12.3.
Variant type: single nucleotide variant.
Coding change: c.1325-1G>C on transcript NM_001242896.3 (MANE Select); the canonical splice acceptor site of the intron before coding-DNA position 1325, G replaced by C.
Molecular consequence: splice acceptor variant.
Genome position (GRCh38, 1-based): chr22:31,810,520, G>C. VCF-style: chr22-31810520-G-C. GRCh37 (hg19) VCF-style: chr22-32206506-G-C.
Other names: c.1325-1G>C (NM_001364318.2, NM_001136029.4, NM_014662.6 and 7 more transcripts); c.1241-1G>C (NM_001369902.1, NM_001369901.1).
Identifiers: ClinVar variation 466449 (VCV000466449.8), dbSNP rs1555882867, ClinGen allele CA411276674.
Genomic context (GRCh38, chr22:31,810,520, plus strand): 5'-AGCTCTCAGGCATGTGTTTGAAATGTATTTGATGACAATTTATATTATTTGTGTATTTCA[G>C]CTCTCGGGAGTCCAAAAGAATCTGAGAACGCCCTTCCCATCCAAGTAGATTATGACGCCT-3'